The following is an entry in ClinVar:

ClinVar aggregate classification (germline): Likely pathogenic. Review status: criteria provided, single submitter (1 of 4 stars). 2 submissions from 2 submitters: Likely pathogenic (1). 1 of the submissions does not count toward it. Last evaluated 2025-12-20.

Conditions:
Combined oxidative phosphorylation deficiency 28 (COXPD28). Identifiers: Orphanet 466784, MedGen C5569081, MONDO:0014775, OMIM 616794.

gnomAD v4.1: 44 of 1,487,884 alleles (0.003%); highest among the groups gnomAD compares: East Asian, 0.029%; no homozygotes.

Submissions (2):

Clinical Genomics Laboratory, Washington University in St. Louis
Classification: Likely pathogenic for Combined oxidative phosphorylation deficiency 28. Last evaluated: 2025-12-20. Review status: criteria provided, single submitter. Criteria: ACMG Guidelines, 2015. Collection method: clinical testing. Allele origin: germline. Affected: yes.
Comment: The SLC25A26 c.404A>G (p.Glu135Gly) has been reported in one patient with combined oxidative phosphorylation deficiency-28 where this variant was in trans with a likely pathogenic variant (Rosenberger FA et al., PMID: 35024855). This variant is only observed in 44/1,487,884 alleles in the general population (gnomAD v4.1.0), indicating it is not a common variant. The variant is predicted to activate a cryptic splice donor site within exon 5 and result in the deletion of the last 54 nucleotides, resulting in an in-frame deletion. However, cDNA analysis revealed only a small portion of transcripts with this cryptic splice site. SLC25A26 protein expression was reduced in the patient muscle tissue and functional studies show this variant in mouse embryonic fibroblasts from Slc25a26 knockout animals resulted in abnormal SAH export in mitochondria (Rosenberger FA et al., PMID: 35024855). Based on available information and the ACMG/AMP guidelines for variant interpretation (Richards S et al., PMID: 25741868), this variant is classified as likely pathogenic.

OMIM
Classification: Pathogenic for COMBINED OXIDATIVE PHOSPHORYLATION DEFICIENCY 28. Last evaluated: 2025-04-25. Review status: no assertion criteria provided. Collection method: literature only. Allele origin: germline. Not counted in ClinVar's aggregate classification.

Literature cited by the submitters: PubMed 35024855 (cited by OMIM).

NM_001379210.1(SLC25A26):c.404A>G (p.Glu135Gly)

Gene: SLC25A26 (solute carrier family 25 member 26; plus strand). Cytogenetic location: 3p14.1.
Variant type: single nucleotide variant.
Coding change: c.404A>G on transcript NM_001379210.1 (MANE Select); coding-DNA position 404, A replaced by G.
Protein change: p.Glu135Gly; replaces glutamic acid 135 with glycine.
Molecular consequence: missense variant. On other transcripts: non-coding transcript variant (15).
Genome position (GRCh38, 1-based): chr3:66,262,154, A>G. VCF-style: chr3-66262154-A-G. GRCh37 (hg19) VCF-style: chr3-66312578-A-G.
Other names: c.140A>G, p.Glu47Gly (NM_001164796.1, NM_001350993.1, NM_001400709.1 and 2 more transcripts); c.404A>G, p.Glu135Gly (NM_001400705.1, NM_001400707.1, NM_173471.4); short protein forms E135G, E47G.
Identifiers: ClinVar variation 3893218 (VCV003893218.2).